The following is an entry in ClinVar:

ClinVar aggregate classification (germline): Uncertain significance (1 of 4 stars; one submission).

gnomAD v4.1: 1 of 1,613,660 alleles (0.000062%); highest among the groups gnomAD compares: Non-Finnish European, 0.000085%; no homozygotes.

Submission:

GeneDx
Classification: Uncertain significance. Last evaluated: 2022-12-14. Review status: criteria provided, single submitter. Criteria: GeneDx Variant Classification Process June 2021. Collection method: clinical testing. Allele origin: germline. Affected: yes.
Comment: Not observed at significant frequency in large population cohorts (gnomAD); In silico analysis supports that this missense variant has a deleterious effect on protein structure/function; Has not been previously published as pathogenic or benign to our knowledge

NM_015335.5(MED13L):c.2776C>A (p.Pro926Thr)

Gene: MED13L (mediator complex subunit 13L; minus strand). Cytogenetic location: 12q24.21.
Variant type: single nucleotide variant.
Coding change: c.2776C>A on transcript NM_015335.5 (MANE Select); coding-DNA position 2776, C replaced by A.
Protein change: p.Pro926Thr; replaces proline 926 with threonine.
Molecular consequence: missense variant.
Genome position (GRCh38, 1-based): chr12:115,997,024, G>T on the plus strand (C>A on the coding strand, the complement: MED13L is on the minus strand). VCF-style: chr12-115997024-G-T. GRCh37 (hg19) VCF-style: chr12-116434829-G-T.
Other names: short protein forms P926T.
Identifiers: ClinVar variation 2505783 (VCV002505783.1), dbSNP rs947804085, ClinGen allele CA244154544.